The following is an entry in ClinVar:

NC_000012.11:g.(?_110729805)_(110729949_?)del

Gene: ATP2A2 (ATPase sarcoplasmic/endoplasmic reticulum Ca2+ transporting 2; plus strand). Cytogenetic location: 12q24.11.
Variant type: Deletion.
Identifiers: ClinVar variation 2424212 (VCV002424212.5).

ClinVar aggregate classification (germline): Pathogenic (1 of 4 stars; one submission).

Submission:

Labcorp Genetics (formerly Invitae), Labcorp
Classification: Pathogenic. Last evaluated: 2022-03-31. Review status: criteria provided, single submitter. Criteria: Invitae Variant Classification Sherloc (09022015). Collection method: clinical testing. Allele origin: germline.
Comment: Experimental studies and prediction algorithms are not available or were not evaluated, and the functional significance of this variant is currently unknown. For these reasons, this variant has been classified as Pathogenic. A similar copy number variant has been observed in individual(s) with Darier disease (Invitae). In at least one individual the variant was observed to be de novo. This variant is a gross deletion of the genomic region encompassing exon(s) 4 of the ATP2A2 gene. This variant would be expected to be in-frame, preserving the integrity of the reading frame.